The following is an entry in ClinVar:

ClinVar aggregate classification (germline): Conflicting classifications of pathogenicity. Review status: criteria provided, conflicting classifications (1 of 4 stars). 2 submissions from 2 submitters: Pathogenic (1); Uncertain significance (1). Last evaluated 2023-09-24.

Conditions:
MEHMO syndrome (MEHMO). Also called: Mental retardation, X-linked, syndromic, Borck type; MENTAL RETARDATION, X-LINKED, SYNDROMIC 20; MENTAL RETARDATION, X-LINKED, SYNDROMIC 25. Identifiers: Orphanet 85282, MedGen C1846278, MONDO:0010258, OMIM 300148.

Allele frequency attached by ClinVar (database versions not stated): TOPMed below 0.00001.

Submissions (2):

GeneDx
Classification: Pathogenic. Last evaluated: 2023-09-24. Review status: criteria provided, single submitter. Criteria: GeneDx Variant Classification Process June 2021. Collection method: clinical testing. Allele origin: germline. Affected: yes.
Comment: Not observed at significant frequency in large population cohorts (gnomAD); In silico analysis supports that this missense variant has a deleterious effect on protein structure/function; Has not been previously published as pathogenic or benign to our knowledge

Neuberg Centre For Genomic Medicine, NCGM
Classification: Uncertain significance for MEHMO syndrome. Review status: criteria provided, single submitter. Criteria: ACMG Guidelines, 2015. Collection method: clinical testing. Allele origin: germline. Affected: yes.

NM_001415.4(EIF2S3):c.1046G>A (p.Arg349Gln)

Gene: EIF2S3 (eukaryotic translation initiation factor 2 subunit gamma; plus strand). Cytogenetic location: Xp22.11.
Variant type: single nucleotide variant.
Coding change: c.1046G>A on transcript NM_001415.4 (MANE Select); coding-DNA position 1046, G replaced by A.
Protein change: p.Arg349Gln; replaces arginine 349 with glutamine.
Molecular consequence: missense variant.
Genome position (GRCh38, 1-based): chrX:24,071,591, G>A. VCF-style: chrX-24071591-G-A. GRCh37 (hg19) VCF-style: chrX-24089708-G-A.
Other names: c.1046G>A (NM_001415.3); short protein forms R349Q.
Identifiers: ClinVar variation 1878657 (VCV001878657.2), dbSNP rs1930671469, ClinGen allele CA412597805.